The following is an entry in ClinVar:

NM_001330574.2(ZNF711):c.1602A>C (p.Gln534His)

Gene: ZNF711 (zinc finger protein 711; plus strand). Cytogenetic location: Xq21.1.
Variant type: single nucleotide variant.
Coding change: c.1602A>C on transcript NM_001330574.2 (MANE Select); coding-DNA position 1602, A replaced by C.
Protein change: p.Gln534His; replaces glutamine 534 with histidine.
Molecular consequence: missense variant.
Genome position (GRCh38, 1-based): chrX:85,271,006, A>C. VCF-style: chrX-85271006-A-C. GRCh37 (hg19) VCF-style: chrX-84526012-A-C.
Other names: c.1602A>C, p.Gln534His (NM_001375431.1, NM_001375432.1, NM_001375433.1); c.1464A>C, p.Gln488His (NM_001375434.1, NM_001375435.1, NM_001375436.1 and 2 more transcripts); short protein forms Q488H, Q534H.
Identifiers: ClinVar variation 2503260 (VCV002503260.1), dbSNP rs2520399590, ClinGen allele CA413773857.

ClinVar aggregate classification (germline): Uncertain significance (1 of 4 stars; one submission).

Submission:

GeneDx
Classification: Uncertain significance. Last evaluated: 2023-05-25. Review status: criteria provided, single submitter. Criteria: GeneDx Variant Classification Process June 2021. Collection method: clinical testing. Allele origin: germline. Affected: yes.
Comment: Not observed at significant frequency in large population cohorts (gnomAD); In silico analysis supports that this missense variant has a deleterious effect on protein structure/function; Has not been previously published as pathogenic or benign to our knowledge